The following is an entry in ClinVar:

ClinVar aggregate classification (germline): Benign/Likely benign. Review status: criteria provided, multiple submitters, no conflicts (2 of 4 stars). 20 submissions from 20 submitters: Benign (9); Likely benign (4). 7 of the submissions do not count toward it. Last evaluated 2026-02-04.

Conditions:
Hereditary insensitivity to pain with anhidrosis (CIPA). Also called: INSENSITIVITY TO PAIN, CONGENITAL, WITH ANHIDROSIS; NEUROPATHY, CONGENITAL SENSORY, WITH ANHIDROSIS; FAMILIAL DYSAUTONOMIA, TYPE II; HSAN Type IV; hereditary sensory and autonomic neuropathy type 4; NTRK1 Congenital Insensitivity to Pain with Anhidrosis. Identifiers: Orphanet 642, MedGen C0020074, MONDO:0009746, OMIM 256800.
Familial medullary thyroid carcinoma (MTC). Also called: Thyroid cancer, familial medullary; MTC, familial; Familial Medullary Thyroid Carcinoma (FMTC). Identifiers: Orphanet 653, Orphanet 99361, MedGen C1833921, MONDO:0007958, OMIM 155240.

Allele frequency attached by ClinVar (database versions not stated): 1000 Genomes Project 0.02296; TOPMed 0.03657; gnomAD 0.03698 and 0.03754; gnomAD exomes 0.05504 and 0.04168; 1000 Genomes Project 30x 0.02436; ExAC 0.04240.
gnomAD v4.1: 86,056 of 1,613,774 alleles (5.3%); highest among the groups gnomAD compares: Non-Finnish European, 6%; 2,657 homozygotes.

Submissions (20):

Labcorp Genetics (formerly Invitae), Labcorp
Classification: Benign for Hereditary insensitivity to pain with anhidrosis. Last evaluated: 2026-02-04. Review status: criteria provided, single submitter. Criteria: Invitae Variant Classification Sherloc (09022015). Collection method: clinical testing. Allele origin: germline.

ARUP Laboratories, Molecular Genetics and Genomics, ARUP Laboratories
Classification: Benign for Hereditary insensitivity to pain with anhidrosis. Last evaluated: 2025-07-30. Review status: criteria provided, single submitter. Criteria: ARUP Molecular Germline Variant Investigation Process 2024. Collection method: clinical testing. Allele origin: germline.

Laboratory of Genetics, Children's Clinical University Hospital Latvia
Classification: Likely benign. Last evaluated: 2025-02-16. Review status: criteria provided, single submitter. Criteria: ACMG Guidelines, 2015. Collection method: clinical testing. Allele origin: germline. Affected: yes.

Department of Pathology and Laboratory Medicine, Sinai Health System
Classification: Benign for Hereditary insensitivity to pain with anhidrosis. Last evaluated: 2023-04-17. Review status: criteria provided, single submitter. Criteria: ACMG Guidelines, 2015. Collection method: research. Allele origin: germline.

Women's Health and Genetics/Laboratory Corporation of America, LabCorp
Classification: Likely benign. Last evaluated: 2021-12-10. Review status: criteria provided, single submitter. Criteria: LabCorp Variant Classification Summary - May 2015. Collection method: clinical testing. Allele origin: germline.

Genome-Nilou Lab
Classification: Benign for Hereditary insensitivity to pain with anhidrosis. Last evaluated: 2021-06-10. Review status: criteria provided, single submitter. Criteria: ACMG Guidelines, 2015. Collection method: clinical testing. Allele origin: germline. Affected: no.

Institute of Human Genetics, University of Leipzig Medical Center
Classification: Benign for Hereditary insensitivity to pain with anhidrosis. Last evaluated: 2019-01-01. Review status: criteria provided, single submitter. Criteria: ACMG Guidelines, 2015. Collection method: clinical testing. Allele origin: unknown. Affected: yes.

Athena Diagnostics
Classification: Benign. Last evaluated: 2017-10-05. Review status: criteria provided, single submitter. Criteria: Athena Diagnostics Criteria. Collection method: clinical testing. Allele origin: germline.

Illumina Laboratory Services, Illumina
Classification: Likely benign for Hereditary insensitivity to pain with anhidrosis. Last evaluated: 2017-04-27. Review status: criteria provided, single submitter. Criteria: ICSL Variant Classification Criteria 13 December 2019. Collection method: clinical testing. Allele origin: germline.
Comment: This variant was observed as part of a predisposition screen in an ostensibly healthy population. A literature search was performed for the gene, cDNA change, and amino acid change (where applicable). No publications were found based on this search. Allele frequency data from public databases allowed determination this variant is unlikely to cause disease. Therefore, this variant is classified as likely benign.

Eurofins Ntd Llc (ga)
Classification: Benign. Last evaluated: 2017-03-01. Review status: criteria provided, single submitter. Criteria: EGL Classification Definitions 2015. Collection method: clinical testing. Allele origin: germline. Observed: 1 variant allele, 1 heterozygote.

Mayo Clinic Laboratories, Mayo Clinic
Classification: Benign. Last evaluated: 2016-04-08. Review status: criteria provided, single submitter. Criteria: ACMG Guidelines, 2015. Collection method: clinical testing. Allele origin: germline. Observed: 192 variant alleles.

GeneDx
Classification: Benign. Last evaluated: 2014-05-23. Review status: criteria provided, single submitter. Criteria: GeneDx Variant Classification (06012015). Collection method: clinical testing. Allele origin: germline. Affected: yes.
Comment: This variant is considered likely benign or benign based on one or more of the following criteria: it is a conservative change, it occurs at a poorly conserved position in the protein, it is predicted to be benign by multiple in silico algorithms, and/or has population frequency not consistent with disease.

Breakthrough Genomics
Classification: Likely benign. Review status: criteria provided, single submitter. Criteria: ACMG Guidelines, 2015. Collection method: not provided. Allele origin: germline. Inheritance: Autosomal recessive inheritance. Affected: yes.

Natera, Inc.
Classification: Benign for Hereditary insensitivity to pain with anhidrosis. Last evaluated: 2020-04-17. Review status: no assertion criteria provided. Collection method: clinical testing. Allele origin: germline. Not counted in ClinVar's aggregate classification.

OMIM
Classification: Pathogenic for THYROID CARCINOMA, FAMILIAL MEDULLARY. Last evaluated: 1999-08-01. Review status: no assertion criteria provided. Collection method: literature only. Allele origin: germline. Not counted in ClinVar's aggregate classification.

Clinical Genetics, Academic Medical Center
Classification: Benign. Review status: no assertion criteria provided. Collection method: clinical testing. Allele origin: germline. Affected: yes. Study: VKGL Data-share Consensus. Not counted in ClinVar's aggregate classification.

Diagnostic Laboratory, Department of Genetics, University Medical Center Groningen
Classification: Benign. Review status: no assertion criteria provided. Collection method: clinical testing. Allele origin: germline. Affected: yes. Study: VKGL Data-share Consensus. Not counted in ClinVar's aggregate classification.

GeneReviews
No classification provided. Condition: Hereditary insensitivity to pain with anhidrosis. Review status: no classification provided. Collection method: literature only. Allele origin: unknown. Not counted in ClinVar's aggregate classification.

Genome Diagnostics Laboratory, University Medical Center Utrecht
Classification: Likely benign. Review status: no assertion criteria provided. Collection method: clinical testing. Allele origin: germline. Affected: yes. Study: VKGL Data-share Consensus. Not counted in ClinVar's aggregate classification.

Joint Genome Diagnostic Labs from Nijmegen and Maastricht, Radboudumc and MUMC+
Classification: Benign. Review status: no assertion criteria provided. Collection method: clinical testing. Allele origin: germline. Affected: yes. Study: VKGL Data-share Consensus. Not counted in ClinVar's aggregate classification.

Literature cited by the submitters: PubMed 10330344 (cited by Eurofins Ntd Llc (ga) and GeneReviews); PubMed 11139246 (cited by Eurofins Ntd Llc (ga)); PubMed 11159935 (cited by Eurofins Ntd Llc (ga) and GeneReviews); PubMed 11719521 (cited by Eurofins Ntd Llc (ga)); PubMed 10443680 (cited by OMIM); PubMed 10861667 (cited by GeneReviews); PubMed 20301726 (cited by GeneReviews); NCBI Bookshelf NBK1769 (cited by GeneReviews).

NM_002529.4(NTRK1):c.1838G>T (p.Gly613Val)

Gene: NTRK1 (neurotrophic receptor tyrosine kinase 1; plus strand). Cytogenetic location: 1q23.1.
Variant type: single nucleotide variant.
Coding change: c.1838G>T on transcript NM_002529.4 (MANE Select); coding-DNA position 1838, G replaced by T.
Protein change: p.Gly613Val; replaces glycine 613 with valine.
Molecular consequence: missense variant.
Genome position (GRCh38, 1-based): chr1:156,879,154, G>T. VCF-style: chr1-156879154-G-T. GRCh37 (hg19) VCF-style: chr1-156848946-G-T.
Other names: p.G607V:GGT>GTT; p.Gly607Val; c.1730G>T, p.Gly577Val (NM_001007792.1); c.1820G>T, p.Gly607Val (NM_001012331.2); short protein forms G607V, G577V, G613V.
Identifiers: ClinVar variation 12308 (VCV000012308.49), dbSNP rs6339, ClinGen allele CA256281.